The following is an entry in ClinVar:

NM_002691.4(POLD1):c.1495-43_1495-8del

Gene: POLD1 (DNA polymerase delta 1, catalytic subunit; plus strand). Cytogenetic location: 19q13.33.
Variant type: Deletion.
Coding change: c.1495-43_1495-8del on transcript NM_002691.4 (MANE Select); 43 bases into the intron before coding-DNA position 1495 through 8 bases into the intron before coding-DNA position 1495, 36 bases deleted.
Molecular consequence: intron variant.
Genome position (GRCh38, 1-based): chr19:50,406,940-50,406,975, 36 bases deleted; deleting any 36 consecutive bases within chr19:50,406,936-50,406,975 gives the same sequence; the c. name uses the placement nearest the transcript's 3' end. GRCh37 (hg19): chr19:50,910,197-50,910,232.
Other names: c.1495-43_1495-8del (NM_001256849.1, NM_001308632.1).
Identifiers: ClinVar variation 3650037 (VCV003650037.2).

ClinVar aggregate classification (germline): Uncertain significance (1 of 4 stars; one submission).

Conditions:
POLD1-related polyposis and colorectal cancer syndrome (CRCS10). Also called: Colorectal cancer 10; COLORECTAL CANCER, SUSCEPTIBILITY TO, ON CHROMOSOME 19q; Colorectal cancer, susceptibility to, 10. Identifiers: Orphanet 220460, MedGen C2675481, MONDO:0012953, OMIM 612591.

Submission:

Labcorp Genetics (formerly Invitae), Labcorp
Classification: Uncertain significance for POLD1-related polyposis and colorectal cancer syndrome. Last evaluated: 2024-04-15. Review status: criteria provided, single submitter. Criteria: Invitae Variant Classification Sherloc (09022015). Collection method: clinical testing. Allele origin: germline.
Comment: This sequence change falls in intron 12 of the POLD1 gene. It does not directly change the encoded amino acid sequence of the POLD1 protein. This variant is not present in population databases (gnomAD no frequency). This variant has not been reported in the literature in individuals affected with POLD1-related conditions. Experimental studies and prediction algorithms are not available or were not evaluated, and the effect of this variant on mRNA splicing is currently unknown. In summary, the available evidence is currently insufficient to determine the role of this variant in disease. Therefore, it has been classified as a Variant of Uncertain Significance.